The following is an entry in ClinVar:

ClinVar aggregate classification (germline): Pathogenic (1 of 4 stars; one submission).

Submission:

ARUP Laboratories, Molecular Genetics and Genomics, ARUP Laboratories
Classification: Pathogenic. Last evaluated: 2021-03-06. Review status: criteria provided, single submitter. Criteria: ARUP Molecular Germline Variant Investigation Process 2021. Collection method: clinical testing. Allele origin: germline.
Comment: The DMD 6911delA; p.Lys2304ArgfsTer17 variant, to our knowledge, is not reported in the medical literature or gene specific databases. This variant is also absent from general population databases (Exome Variant Server, Genome Aggregation Database), indicating it is not a common polymorphism. This variant causes a frameshift by deleting a single nucleotide, so it is predicted to result in a truncated protein or mRNA subject to nonsense-mediated decay. Additionally, this deletion occurs near the end of exon 47 and computational analyses (Alamut v.2.11) predict that this variant may impact splicing by weakening the nearby canonical donor splice site. Additionally, other small frameshift variants in this region have been detected in affected individuals and are considered pathogenic (Mah 2011, Okubo 2016). Based on available information, this variant is classified as pathogenic. References: Mah JK et al. A population-based study of dystrophin mutations in Canada. Can J Neurol Sci. 2011 May;38(3):465-74. Okubo M et al. Genetic diagnosis of Duchenne/Becker muscular dystrophy using next-generation sequencing: validation analysis of DMD mutations. J Hum Genet. 2016 Jun;61(6):483-9.

NM_004006.3(DMD):c.6911del (p.Lys2304fs)

Gene: DMD (dystrophin; minus strand). Cytogenetic location: Xp21.1.
Variant type: Deletion.
Coding change: c.6911del on transcript NM_004006.3 (MANE Select); coding-DNA position 6911, one base deleted (A; older notation c.6911delA).
Protein change: p.Lys2304fs; shifts the reading frame from lysine 2304.
Molecular consequence: frameshift variant. On other transcripts: 5 prime UTR variant (5).
Genome position (GRCh38, 1-based): chrX:31,929,597, T deleted on the plus strand (A on the coding strand, the reverse complement: DMD is on the minus strand); the first of 3 consecutive T bases (chrX:31,929,597-31,929,599); deleting any one gives the same sequence. VCF-style (leftmost placement, unchanged base first): chrX-31929596-CT-C. GRCh37 (hg19) VCF-style: chrX-31947713-CT-C.
Other names: c.6887del, p.Lys2296fs (NM_000109.4); c.6899del, p.Lys2300fs (NM_004009.3); c.6542del, p.Lys2181fs (NM_004010.3); c.2888del, p.Lys963fs (NM_004011.4); c.2879del, p.Lys960fs (NM_004012.4); c.-470del (NM_004013.3, NM_004020.4, NM_004021.3 and 2 more transcripts); short protein forms K2181fs, K2296fs, K2300fs, K2304fs, K960fs, K963fs.
Identifiers: ClinVar variation 1331077 (VCV001331077.7), dbSNP rs2149988984, ClinGen allele CA2573055262.